The following is an entry in ClinVar:

NR_046473.1(MEG3):n.8471A>G

Gene: MEG3 (maternally expressed 3; plus strand). Cytogenetic location: 14q32.2.
Variant type: single nucleotide variant.
Molecular consequence: non-coding transcript variant (on NR_046473.1).
Genome position: GRCh38 VCF-style: chr14-100853087-A-G. GRCh37 (hg19) VCF-style: chr14-101319424-A-G.
Identifiers: ClinVar variation 3060897 (VCV003060897.2), dbSNP rs7158663, ClinGen allele CA13971816.

ClinVar aggregate classification (germline): Benign (0 of 4 stars; one submission).

Conditions:
MEG3-related disorder. Also called: MEG3-related condition.

Allele frequency attached by ClinVar (database versions not stated): TOPMed 0.42370; gnomAD 0.42507; gnomAD exomes 0.47561; 1000 Genomes Project 30x 0.49797; 1000 Genomes Project 0.51538.
gnomAD v4.1: 64,838 of 152,222 alleles (43%); highest among the groups gnomAD compares: East Asian, 75%; 15,347 homozygotes.

Submission:

PreventionGenetics, part of Exact Sciences
Classification: Benign for MEG3-related condition. Last evaluated: 2019-07-16. Review status: no assertion criteria provided. Collection method: clinical testing. Allele origin: germline.
Comment: This variant is classified as benign based on ACMG/AMP sequence variant interpretation guidelines (Richards et al. 2015 PMID: 25741868, with internal and published modifications).